The following is an entry in ClinVar:

ClinVar aggregate classification (germline): Uncertain significance (1 of 4 stars; one submission).

Conditions:
Hereditary cancer-predisposing syndrome. Also called: Hereditary Cancer Syndrome; Tumor predisposition; Hereditary neoplastic syndrome; Neoplastic Syndromes, Hereditary. Identifiers: Orphanet 140162, MedGen C0027672, MeSH D009386, MONDO:0015356.

Submission:

Ambry Genetics
Classification: Uncertain significance for Hereditary cancer-predisposing syndrome. Last evaluated: 2024-04-22. Review status: criteria provided, single submitter. Criteria: Ambry Variant Classification Scheme 2023. Collection method: clinical testing. Allele origin: germline.
Comment: The p.K1863E variant (also known as c.5587A>G), located in coding exon 10 of the BRCA2 gene, results from an A to G substitution at nucleotide position 5587. The lysine at codon 1863 is replaced by glutamic acid, an amino acid with similar properties. This amino acid position is conserved. In addition, the in silico prediction for this alteration is inconclusive. Based on the available evidence, the clinical significance of this variant remains unclear.

NM_000059.4(BRCA2):c.5587A>G (p.Lys1863Glu)

Gene: BRCA2 (BRCA2 DNA repair associated; plus strand). Cytogenetic location: 13q13.1.
Variant type: single nucleotide variant.
Coding change: c.5587A>G on transcript NM_000059.4 (MANE Select); coding-DNA position 5587, A replaced by G.
Protein change: p.Lys1863Glu; replaces lysine 1863 with glutamic acid.
Molecular consequence: missense variant. On other transcripts: non-coding transcript variant (1), intron variant (2).
Genome position (GRCh38, 1-based): chr13:32,339,942, A>G. VCF-style: chr13-32339942-A-G. GRCh37 (hg19) VCF-style: chr13-32914079-A-G.
Other names: c.5587A>G, p.Lys1863Glu (NM_001406719.1, NM_001406720.1); c.1910-4616A>G (NM_001406721.1); c.425-4616A>G (NM_001406722.1); short protein forms K1863E.
Identifiers: ClinVar variation 3261598 (VCV003261598.1).